The following is an entry in ClinVar:

ClinVar aggregate classification (germline): Likely pathogenic (1 of 4 stars; one submission).

Submission:

Mayo Clinic Laboratories, Mayo Clinic
Classification: Likely pathogenic. Last evaluated: 2024-11-18. Review status: criteria provided, single submitter. Criteria: ACMG Guidelines, 2015. Collection method: clinical testing. Allele origin: germline. Observed: 1 variant allele.
Comment: PP3, PP4, PM2_supporting, PM3, PM5

Literature cited by the submitters: PubMed 23022339; PubMed 27005423; PubMed 35134457; PubMed 35677809.

NM_000155.4(GALT):c.265T>C (p.Tyr89His)

Gene: GALT (galactose-1-phosphate uridylyltransferase; plus strand). Cytogenetic location: 9p13.3.
Variant type: single nucleotide variant.
Coding change: c.265T>C on transcript NM_000155.4 (MANE Select); coding-DNA position 265, T replaced by C.
Protein change: p.Tyr89His; replaces tyrosine 89 with histidine.
Molecular consequence: missense variant. On other transcripts: intron variant (1).
Genome position (GRCh38, 1-based): chr9:34,647,504, T>C. VCF-style: chr9-34647504-T-C. GRCh37 (hg19) VCF-style: chr9-34647501-T-C.
Other names: c.50+246T>C (NM_001258332.2).
Identifiers: ClinVar variation 4541435 (VCV004541435.1), dbSNP rs111033666.